The following is an entry in ClinVar:

ClinVar aggregate classification (germline): Uncertain significance (1 of 4 stars; one submission).

Allele frequency attached by ClinVar (database versions not stated): gnomAD exomes below 0.00001.
gnomAD v4.1: 2 of 1,613,124 alleles (0.00012%); highest among the groups gnomAD compares: Non-Finnish European, 0.00017%; no homozygotes.

Submission:

GeneDx
Classification: Uncertain significance. Last evaluated: 2022-08-29. Review status: criteria provided, single submitter. Criteria: GeneDx Variant Classification Process June 2021. Collection method: clinical testing. Allele origin: germline. Affected: yes.
Comment: Not observed at significant frequency in large population cohorts (gnomAD); In silico analysis supports that this missense variant has a deleterious effect on protein structure/function; Has not been previously published as pathogenic or benign to our knowledge

NM_001365088.1(SLC12A6):c.484G>A (p.Gly162Arg)

Gene: SLC12A6 (solute carrier family 12 member 6; minus strand). Cytogenetic location: 15q14.
Variant type: single nucleotide variant.
Coding change: c.484G>A on transcript NM_001365088.1 (MANE Select); coding-DNA position 484, G replaced by A.
Protein change: p.Gly162Arg; replaces glycine 162 with arginine.
Molecular consequence: missense variant.
Genome position (GRCh38, 1-based): chr15:34,258,872, C>T on the plus strand (G>A on the coding strand, the complement: SLC12A6 is on the minus strand). VCF-style: chr15-34258872-C-T. GRCh37 (hg19) VCF-style: chr15-34551073-C-T.
Other names: c.307G>A, p.Gly103Arg (NM_001042494.2, NM_001042495.2); c.457G>A, p.Gly153Arg (NM_001042496.2); c.439G>A, p.Gly147Arg (NM_001042497.2); c.331G>A, p.Gly111Arg (NM_005135.2); c.484G>A, p.Gly162Arg (NM_133647.2); short protein forms G103R, G111R, G147R, G153R, G162R.
Identifiers: ClinVar variation 2442555 (VCV002442555.1), dbSNP rs1892929380, ClinGen allele CA391613586.
Genomic context (GRCh38, chr15:34,258,872, plus strand): 5'-CCTTGGTGGGCTTCTTTTTCCCTTCAGTGATGTTTTCTGCCTCTTCATGTTCCTTTGCTC[C>T]TTGAGTCAGATTAGTGTAATTGGCCATGCGGTTGAGGAGGGAAGACACCTTCGGTCTGGT-3'
Protein context (NP_001352017.1, residues 152-172): RMANYTNLTQ[Gly162Arg]AKEHEEAENI